The following is an entry in ClinVar:

ClinVar aggregate classification (germline): Likely benign. Review status: criteria provided, multiple submitters, no conflicts (2 of 4 stars). 3 submissions from 3 submitters: Likely benign (2). 1 of the submissions does not count toward it. Last evaluated 2025-12-23.

Conditions:
ARHGEF10-related disorder. Also called: ARHGEF10-related condition.

Allele frequency attached by ClinVar (database versions not stated): ExAC 0.00032; gnomAD exomes 0.00037; gnomAD 0.00056 and 0.00058; 1000 Genomes Project 0.00060; TOPMed 0.00060; 1000 Genomes Project 30x 0.00078; ESP Exome Variant Server 0.00085.
gnomAD v4.1: 304 of 1,614,150 alleles (0.019%); highest among the groups gnomAD compares: African/African-American, 0.19%; 2 homozygotes.

Submissions (3):

Labcorp Genetics (formerly Invitae), Labcorp
Classification: Likely benign. Last evaluated: 2025-12-23. Review status: criteria provided, single submitter. Criteria: Invitae Variant Classification Sherloc (09022015). Collection method: clinical testing. Allele origin: germline.

Blueprint Genetics
Classification: Likely benign. Last evaluated: 2024-10-14. Review status: criteria provided, single submitter. Criteria: ACMG Guidelines, 2015. Collection method: clinical testing. Allele origin: germline.

PreventionGenetics, part of Exact Sciences
Classification: Likely benign for ARHGEF10-related condition. Last evaluated: 2019-04-25. Review status: no assertion criteria provided. Collection method: clinical testing. Allele origin: germline. Not counted in ClinVar's aggregate classification.
Comment: This variant is classified as likely benign based on ACMG/AMP sequence variant interpretation guidelines (Richards et al. 2015 PMID: 25741868, with internal and published modifications).

NM_014629.4(ARHGEF10):c.1275G>A (p.Pro425=)

Gene: ARHGEF10 (Rho guanine nucleotide exchange factor 10; plus strand). Cytogenetic location: 8p23.3.
Variant type: single nucleotide variant.
Coding change: c.1275G>A on transcript NM_014629.4 (MANE Select); coding-DNA position 1275, G replaced by A.
Protein change: p.Pro425=; no amino-acid change (proline 425 retained).
Molecular consequence: synonymous variant.
Genome position (GRCh38, 1-based): chr8:1,894,407, G>A. VCF-style: chr8-1894407-G-A. GRCh37 (hg19) VCF-style: chr8-1842573-G-A.
Other names: c.1161G>A, p.Pro387= (NM_001308152.2); c.1278G>A, p.Pro426= (NM_001308153.3).
Identifiers: ClinVar variation 1593627 (VCV001593627.11), dbSNP rs140952059, ClinGen allele CA4600315.